The following is an entry in ClinVar:

NM_000718.4(CACNA1B):c.3307A>G (p.Ser1103Gly)

Genes: CACNA1B (calcium voltage-gated channel subunit alpha1 B; plus strand), LOC101928786 (uncharacterized LOC101928786; minus strand). Cytogenetic location: 9q34.3.
Variant type: single nucleotide variant.
Coding change: c.3307A>G on transcript NM_000718.4 (MANE Select); coding-DNA position 3307, A replaced by G.
Protein change: p.Ser1103Gly; replaces serine 1103 with glycine.
Molecular consequence: missense variant.
Genome position (GRCh38, 1-based): chr9:138,043,794, A>G. VCF-style: chr9-138043794-A-G. GRCh37 (hg19) VCF-style: chr9-140938246-A-G.
Other names: c.3307A>G, p.Ser1103Gly (NM_001243812.2); short protein forms S1103G.
Identifiers: ClinVar variation 1919535 (VCV001919535.5), dbSNP rs774656368, ClinGen allele CA5376619.

ClinVar aggregate classification (germline): Uncertain significance (1 of 4 stars; one submission).

Allele frequency attached by ClinVar (database versions not stated): TOPMed 0.00003; gnomAD 0.00004.
gnomAD v4.1: 10 of 1,613,780 alleles (0.00062%); highest among the groups gnomAD compares: African/African-American, 0.0093%; no homozygotes.

Submission:

Labcorp Genetics (formerly Invitae), Labcorp
Classification: Uncertain significance. Last evaluated: 2022-09-03. Review status: criteria provided, single submitter. Criteria: Invitae Variant Classification Sherloc (09022015). Collection method: clinical testing. Allele origin: germline.
Comment: This sequence change replaces serine, which is neutral and polar, with glycine, which is neutral and non-polar, at codon 1103 of the CACNA1B protein (p.Ser1103Gly). This variant is present in population databases (rs774656368, gnomAD 0.02%). This variant has not been reported in the literature in individuals affected with CACNA1B-related conditions. Advanced modeling of protein sequence and biophysical properties (such as structural, functional, and spatial information, amino acid conservation, physicochemical variation, residue mobility, and thermodynamic stability) performed at Invitae indicates that this missense variant is not expected to disrupt CACNA1B protein function. In summary, the available evidence is currently insufficient to determine the role of this variant in disease. Therefore, it has been classified as a Variant of Uncertain Significance.